The following is an entry in ClinVar:

NC_000016.10:g.(?_2053322)_(2092208_?)del

Genes: MIR1225 (microRNA 1225; minus strand), PKD1 (polycystin 1, transient receptor potential channel interacting; minus strand), PKD1-AS1 (PKD1 antisense RNA 1; plus strand), TSC2 (TSC complex subunit 2; plus strand). Cytogenetic location: 16p13.3.
Variant type: Deletion.
Identifiers: ClinVar variation 584353 (VCV000584353.1).

ClinVar aggregate classification (germline): Pathogenic (1 of 4 stars; one submission).

Conditions:
Tuberous sclerosis 2 (TSC2). Identifiers: Orphanet 805, MedGen C1860707, MONDO:0013199, OMIM 613254.

Submission:

Labcorp Genetics (formerly Invitae), Labcorp
Classification: Pathogenic for Tuberous sclerosis 2. Last evaluated: 2018-01-26. Review status: criteria provided, single submitter. Criteria: Invitae Variant Classification Sherloc (09022015). Collection method: clinical testing. Allele origin: germline.
Comment: This variant is a gross deletion of the genomic region encompassing exons 4-42 of the TSC2 gene. The 5' boundary is likely confined to intron 3. The 3' end of this event is unknown as it extends through the termination codon beyond the assayed region for this gene and may encompass additional genes. While this deletion is not anticipated to result in nonsense mediated decay, it is expected to create a truncated protein product removing ~95% of the amino acids. Similar gross deletions, removing large portions of the C-terminal region of the protein, have been reported in individuals with tuberous sclerosis complex in the Leiden Open-source Variation Database (PMID: 21520333). For these reasons, this variant has been classified as Pathogenic.

Literature cited by the submitters: PubMed 21520333.